The following is an entry in ClinVar:

ClinVar aggregate classification (germline): Uncertain significance (1 of 4 stars; one submission).

Conditions:
Febrile seizures, familial, 11 (FEB11). Also called: CONVULSIONS, FAMILIAL FEBRILE, 11. Identifiers: MedGen C3280734, MONDO:0024566, OMIM 614418.

gnomAD v4.1: 1 of 1,611,316 alleles (0.000062%); no homozygotes.

Submission:

Labcorp Genetics (formerly Invitae), Labcorp
Classification: Uncertain significance for Febrile seizures, familial, 11. Last evaluated: 2021-07-13. Review status: criteria provided, single submitter. Criteria: Invitae Variant Classification Sherloc (09022015). Collection method: clinical testing. Allele origin: germline.
Comment: This sequence change affects an acceptor splice site in intron 5 of the CPA6 gene. It is expected to disrupt RNA splicing. Variants that disrupt the donor or acceptor splice site typically lead to a loss of protein function (PMID: 16199547), however the current clinical and genetic evidence is not sufficient to establish whether loss-of-function variants in CPA6 cause disease. This variant is not present in population databases (ExAC no frequency). This variant has not been reported in the literature in individuals affected with CPA6-related conditions. Algorithms developed to predict the effect of sequence changes on RNA splicing suggest that this variant may disrupt the consensus splice site. In summary, the available evidence is currently insufficient to determine the role of this variant in disease. Therefore, it has been classified as a Variant of Uncertain Significance.

Literature cited by the submitters: PubMed 16199547.

NM_020361.5(CPA6):c.535-1G>A

Gene: CPA6 (carboxypeptidase A6; minus strand). Cytogenetic location: 8q13.2.
Variant type: single nucleotide variant.
Coding change: c.535-1G>A on transcript NM_020361.5 (MANE Select); the canonical splice acceptor site of the intron before coding-DNA position 535, G replaced by A.
Molecular consequence: splice acceptor variant.
Genome position (GRCh38, 1-based): chr8:67,506,889, C>T on the plus strand (G>A on the coding strand, the complement: CPA6 is on the minus strand). VCF-style: chr8-67506889-C-T. GRCh37 (hg19) VCF-style: chr8-68419124-C-T.
Identifiers: ClinVar variation 1011584 (VCV001011584.7), dbSNP rs766751629, ClinGen allele CA371261456.